The following is an entry in ClinVar:

ClinVar aggregate classification (germline): Benign/Likely benign. Review status: criteria provided, multiple submitters, no conflicts (2 of 4 stars). 6 submissions from 6 submitters: Benign (1); Likely benign (4). 1 of the submissions does not count toward it. Last evaluated 2026-05-14.

Conditions:
NF1-related disorder. Also called: NF1-related condition. Identifiers: MedGen CN379171.
Hereditary cancer-predisposing syndrome. Also called: Tumor predisposition; Neoplastic Syndromes, Hereditary; Hereditary neoplastic syndrome; Hereditary Cancer Syndrome. Identifiers: Orphanet 140162, MedGen C0027672, MeSH D009386, MONDO:0015356.
Neurofibromatosis, type 1 (NF1). Also called: NEUROFIBROMATOSIS, TYPE I, SOMATIC; Peripheral type neurofibromatosis; VON RECKLINGHAUSEN DISEASE; Neurofibromatosis, type I. Identifiers: Orphanet 636, MedGen C0027831, MONDO:0018975, OMIM 162200. Disease mechanism: loss of function.

Allele frequency attached by ClinVar (database versions not stated): TOPMed below 0.00001; gnomAD 0.00001; gnomAD exomes 0.00002.
gnomAD v4.1: 24 of 1,613,266 alleles (0.0015%); highest among the groups gnomAD compares: Non-Finnish European, 0.0018%; no homozygotes.

Submissions (6):

Myriad Genetics, Inc.
Classification: Benign for Neurofibromatosis, type 1. Last evaluated: 2026-05-14. Review status: criteria provided, single submitter. Criteria: Myriad Autosomal Dominant, Autosomal Recessive and X-Linked Classification Criteria (2023). Collection method: clinical testing. Allele origin: unknown.
Comment: This variant is considered benign. This variant is a silent/synonymous amino acid change and it is not expected to impact splicing.

Labcorp Genetics (formerly Invitae), Labcorp
Classification: Likely benign for Neurofibromatosis, type 1. Last evaluated: 2026-01-13. Review status: criteria provided, single submitter. Criteria: Invitae Variant Classification Sherloc (09022015). Collection method: clinical testing. Allele origin: germline.

Blueprint Genetics
Classification: Likely benign. Last evaluated: 2022-07-25. Review status: criteria provided, single submitter. Criteria: ACMG Guidelines, 2015. Collection method: clinical testing. Allele origin: germline.

Genome-Nilou Lab
Classification: Likely benign for Neurofibromatosis, type 1. Last evaluated: 2022-03-15. Review status: criteria provided, single submitter. Criteria: ACMG Guidelines, 2015. Collection method: clinical testing. Allele origin: germline. Affected: no.

Ambry Genetics
Classification: Likely benign for Hereditary cancer-predisposing syndrome. Last evaluated: 2014-09-24. Review status: criteria provided, single submitter. Criteria: Ambry Autosomal Dominant and X-Linked criteria (10/2015). Collection method: clinical testing. Allele origin: germline. Observed: 1 variant allele.

PreventionGenetics, part of Exact Sciences
Classification: Likely benign for NF1-related condition. Last evaluated: 2024-08-22. Review status: no assertion criteria provided. Collection method: clinical testing. Allele origin: germline. Not counted in ClinVar's aggregate classification.
Comment: This variant is classified as likely benign based on ACMG/AMP sequence variant interpretation guidelines (Richards et al. 2015 PMID: 25741868, with internal and published modifications).

NM_001042492.3(NF1):c.876C>T (p.Asn292=)

Gene: NF1 (neurofibromin 1; plus strand). Cytogenetic location: 17q11.2.
Variant type: single nucleotide variant.
Coding change: c.876C>T on transcript NM_001042492.3 (MANE Select); coding-DNA position 876, C replaced by T.
Protein change: p.Asn292=; no amino-acid change (asparagine 292 retained).
Molecular consequence: synonymous variant.
Genome position (GRCh38, 1-based): chr17:31,182,653, C>T. VCF-style: chr17-31182653-C-T. GRCh37 (hg19) VCF-style: chr17-29509671-C-T.
Other names: c.876C>T, p.Asn292= (NM_000267.4, NM_001128147.3).
Identifiers: ClinVar variation 186258 (VCV000186258.16), dbSNP rs786202811, ClinGen allele CA194275.
Genomic context (GRCh38, chr17:31,182,653, plus strand): 5'-TCTCCTTATCTTGTGTCCAGAAATAATCCAGGATATATCCAAAGACGTGGTTGATGAAAA[C>T]AACATGAATAAGGTAAGGAGGGCAAAATTATTTCCATTATATCTAGATGTGAAGCAGTTT-3'
Protein context (NP_001035957.1, residues 282-302): QDISKDVVDE[Asn292=]NMNKKLFLDS